The following is an entry in ClinVar:

NM_000059.4(BRCA2):c.2077T>C (p.Cys693Arg)

Gene: BRCA2 (BRCA2 DNA repair associated; plus strand). Cytogenetic location: 13q13.1.
Variant type: single nucleotide variant.
Coding change: c.2077T>C on transcript NM_000059.4 (MANE Select); coding-DNA position 2077, T replaced by C.
Protein change: p.Cys693Arg; replaces cysteine 693 with arginine.
Molecular consequence: missense variant.
Genome position (GRCh38, 1-based): chr13:32,336,432, T>C. VCF-style: chr13-32336432-T-C. GRCh37 (hg19) VCF-style: chr13-32910569-T-C.
Other names: short protein forms C693R.
Identifiers: ClinVar variation 236834 (VCV000236834.26), dbSNP rs878853558, ClinGen allele CA10583076.

ClinVar aggregate classification (germline): Conflicting classifications of pathogenicity. Review status: criteria provided, conflicting classifications (1 of 4 stars). 7 submissions from 7 submitters: Uncertain significance (6); Likely benign (1). Last evaluated 2025-12-19.

Conditions:
Hereditary cancer-predisposing syndrome. Also called: Hereditary neoplastic syndrome; Hereditary Cancer Syndrome; Neoplastic Syndromes, Hereditary; Tumor predisposition. Identifiers: Orphanet 140162, MedGen C0027672, MeSH D009386, MONDO:0015356.
Hereditary breast ovarian cancer syndrome. Also called: BRCA1- and BRCA2-Associated Hereditary Breast and Ovarian Cancer; Hereditary breast and ovarian cancer syndrome; Hereditary breast and ovarian cancer; Hereditary breast and ovarian cancer syndrome (HBOC); Breast and ovarian cancer; Hereditary breast and/or ovarian cancer syndrome. Identifiers: Orphanet 145, MedGen C0677776, MeSH D061325, MONDO:0003582. Disease mechanism: loss of function.

Allele frequency attached by ClinVar (database versions not stated): gnomAD exomes below 0.00001.
gnomAD v4.1: 6 of 1,613,790 alleles (0.00037%); highest among the groups gnomAD compares: Non-Finnish European, 0.00051%; no homozygotes.

Submissions (7):

Labcorp Genetics (formerly Invitae), Labcorp
Classification: Uncertain significance for Hereditary breast ovarian cancer syndrome. Last evaluated: 2025-12-19. Review status: criteria provided, single submitter. Criteria: Invitae Variant Classification Sherloc (09022015). Collection method: clinical testing. Allele origin: germline.
Comment: This sequence change replaces cysteine, which is neutral and slightly polar, with arginine, which is basic and polar, at codon 693 of the BRCA2 protein (p.Cys693Arg). This variant is present in population databases (no rsID available, gnomAD 0.0009%). This variant has not been reported in the literature in individuals affected with BRCA2-related conditions. ClinVar contains an entry for this variant (Variation ID: 236834). Invitae Evidence Modeling of protein sequence and biophysical properties (such as structural, functional, and spatial information, amino acid conservation, physicochemical variation, residue mobility, and thermodynamic stability) indicates that this missense variant is not expected to disrupt BRCA2 protein function with a negative predictive value of 95%. In summary, the available evidence is currently insufficient to determine the role of this variant in disease. Therefore, it has been classified as a Variant of Uncertain Significance.

Color Diagnostics, LLC DBA Color Health
Classification: Uncertain significance for Hereditary cancer-predisposing syndrome. Last evaluated: 2025-05-28. Review status: criteria provided, single submitter. Criteria: ACMG Guidelines, 2015. Collection method: clinical testing. Allele origin: germline.
Comment: This missense variant replaces cysteine with arginine at codon 693 of the BRCA2 protein. Computational prediction suggests that this variant may not impact protein structure and function. To our knowledge, functional studies have not been reported for this variant. This variant has been detected in a breast cancer case-control meta-analysis in 1/60466 cases and 0/53461 unaffected individuals (PMID: 33471991Leiden Open Variation Database DB-ID BRCA2_007917). This variant has been identified in 1/250562 chromosomes in the general population by the Genome Aggregation Database (gnomAD). The available evidence is insufficient to determine the role of this variant in disease conclusively. Therefore, this variant is classified as a Variant of Uncertain Significance.

Ambry Genetics
Classification: Uncertain significance for Hereditary cancer-predisposing syndrome. Last evaluated: 2024-02-01. Review status: criteria provided, single submitter. Criteria: Ambry Variant Classification Scheme 2023. Collection method: clinical testing. Allele origin: germline.
Comment: The p.C693R variant (also known as c.2077T>C), located in coding exon 10 of the BRCA2 gene, results from a T to C substitution at nucleotide position 2077. The cysteine at codon 693 is replaced by arginine, an amino acid with highly dissimilar properties. This amino acid position is poorly conserved in available vertebrate species. In addition, this alteration is predicted to be tolerated by in silico analysis. Since supporting evidence is limited at this time, the clinical significance of this alteration remains unclear.

University of Washington Department of Laboratory Medicine, University of Washington
Classification: Likely benign for Hereditary cancer-predisposing syndrome. Last evaluated: 2023-03-23. Review status: criteria provided, single submitter. Criteria: Dines et al. (Genet Med. 2020). Collection method: curation. Allele origin: germline.
Comment: Missense variant in a coldspot region where missense variants are very unlikely to be pathogenic (PMID:31911673).

BRCA2 exon 11 coldspot. Reclassification based on statistical prior probability.

Women's Health and Genetics/Laboratory Corporation of America, LabCorp
Classification: Uncertain significance. Last evaluated: 2020-03-26. Review status: criteria provided, single submitter. Criteria: LabCorp Variant Classification Summary - May 2015. Collection method: clinical testing. Allele origin: germline.
Comment: Variant summary: BRCA2 c.2077T>C (p.Cys693Arg) results in a non-conservative amino acid change in the encoded protein sequence. Three of five in-silico tools predict a benign effect of the variant on protein function. The variant allele was found at a frequency of 4e-06 in 250562 control chromosomes (gnomAD). The available data on variant occurrences in the general population are insufficient to allow any conclusion about variant significance. To our knowledge, no occurrence of c.2077T>C in individuals affected with Hereditary Breast and Ovarian Cancer and no experimental evidence demonstrating its impact on protein function have been reported. Four clinical diagnostic laboratories have submitted clinical-significance assessments for this variant to ClinVar after 2014 without evidence for independent evaluation. All laboratories classified the variant as uncertain significance. Based on the evidence outlined above, the variant was classified as uncertain significance.

ARUP Laboratories, Molecular Genetics and Genomics, ARUP Laboratories
Classification: Uncertain significance. Last evaluated: 2019-12-13. Review status: criteria provided, single submitter. Criteria: ARUP Molecular Germline Variant Investigation Process. Collection method: clinical testing. Allele origin: germline.
Comment: The BRCA2 c.2077T>C; p.Cys693Arg variant (rs878853558), to our knowledge, is not reported in the medical literature but is reported in ClinVar (Variation ID: 236834). This variant is found on a single chromosome in the Genome Aggregation Database (1/250562 alleles), indicating it is not a common polymorphism. The cysteine at codon 693 is weakly conserved, but computational analyses (SIFT: damaging, PolyPhen-2: benign) predict conflicting effects of this variant on protein structure/function. Due to limited information, the clinical significance of the p.Cys693Arg variant is uncertain at this time.

Quest Diagnostics Nichols Institute San Juan Capistrano
Classification: Uncertain significance. Last evaluated: 2017-10-03. Review status: criteria provided, single submitter. Criteria: Quest Diagnostics criteria. Collection method: clinical testing. Allele origin: germline.

Literature cited by the submitters: PubMed 33471991 (cited by Color Diagnostics, LLC DBA Color Health).